The following is an entry in ClinVar:

NM_001035.3(RYR2):c.309+5G>A

Gene: RYR2 (ryanodine receptor 2; plus strand). Cytogenetic location: 1q43.
Variant type: single nucleotide variant.
Coding change: c.309+5G>A on transcript NM_001035.3 (MANE Select); 5 bases into the intron after coding-DNA position 309, G replaced by A.
Molecular consequence: intron variant.
Genome position (GRCh38, 1-based): chr1:237,364,377, G>A. VCF-style: chr1-237364377-G-A. GRCh37 (hg19) VCF-style: chr1-237527677-G-A.
Identifiers: ClinVar variation 1171154 (VCV001171154.2), dbSNP rs794728695, ClinGen allele CA2499214584.

ClinVar aggregate classification (germline): Uncertain significance (1 of 4 stars; one submission).

Conditions:
Cardiomyopathy (CMYO). Also called: Cardiomyopathies. Identifiers: Orphanet 167848, MedGen C0878544, MONDO:0004994, HP:0001638. Inheritance: Various modes of inheritance.

Submission:

Color Diagnostics, LLC DBA Color Health
Classification: Uncertain significance for Cardiomyopathy. Last evaluated: 2020-11-04. Review status: criteria provided, single submitter. Criteria: ACMG Guidelines, 2015. Collection method: clinical testing. Allele origin: germline.
Comment: This variant causes a G to A nucleotide substitution at the +5 position of intron 5 of the RYR2 gene. Splice prediction tools are inconclusive regarding the impact of this variant on RNA splicing. To our knowledge, functional studies have not been reported for this variant. This variant has not been reported in individuals affected with cardiovascular disorders in the literature. This variant has not been identified in the general population by the Genome Aggregation Database (gnomAD). The available evidence is insufficient to determine the role of this variant in disease conclusively. Therefore, this variant is classified as a Variant of Uncertain Significance.